The following is an entry in ClinVar:

ClinVar aggregate classification (germline): Likely benign (0 of 4 stars; one submission).

Conditions:
HSD17B3-related disorder. Also called: HSD17B3-related condition.

Submission:

PreventionGenetics, part of Exact Sciences
Classification: Likely benign for HSD17B3-related condition. Last evaluated: 2019-06-25. Review status: no assertion criteria provided. Collection method: clinical testing. Allele origin: germline.
Comment: This variant is classified as likely benign based on ACMG/AMP sequence variant interpretation guidelines (Richards et al. 2015 PMID: 25741868, with internal and published modifications).

NM_000197.2(HSD17B3):c.154+6G>A

Genes: HSD17B3 (hydroxysteroid 17-beta dehydrogenase 3; minus strand), SLC35D2-HSD17B3 (SLC35D2-HSD17B3 readthrough; minus strand). Cytogenetic location: 9q22.32.
Variant type: single nucleotide variant.
Coding change: c.154+6G>A on transcript NM_000197.2 (MANE Select); 6 bases into the intron after coding-DNA position 154, G replaced by A.
Molecular consequence: intron variant.
Genome position (GRCh38, 1-based): chr9:96,301,945, C>T on the plus strand (G>A on the coding strand, the complement: HSD17B3 is on the minus strand). VCF-style: chr9-96301945-C-T. GRCh37 (hg19) VCF-style: chr9-99064227-C-T.
Identifiers: ClinVar variation 3042401 (VCV003042401.2), dbSNP rs2490210304, ClinGen allele CA2740095539.
Genomic context (GRCh38, chr9:96,301,945, plus strand): 5'-ATAATAATAATAGTAACAAGCAGGAACAACAGCAGCAAAAAAACATGAGATGGAACACTC[C>T]CTTACCTGCCCACTGTCCCATTGACCGCAAGAAAGACTTTGGCAAAACTTTCCAGTAGTT-3'